The following is an entry in ClinVar:

NM_145239.3(PRRT2):c.293A>G (p.Asn98Ser)

Genes: MVP-DT (MVP divergent transcript; minus strand), PRRT2 (proline rich transmembrane protein 2; plus strand). Cytogenetic location: 16p11.2.
Variant type: single nucleotide variant.
Coding change: c.293A>G on transcript NM_145239.3 (MANE Select); coding-DNA position 293, A replaced by G.
Protein change: p.Asn98Ser; replaces asparagine 98 with serine.
Molecular consequence: missense variant.
Genome position (GRCh38, 1-based): chr16:29,813,347, A>G. VCF-style: chr16-29813347-A-G. GRCh37 (hg19) VCF-style: chr16-29824668-A-G.
Other names: c.293A>G, p.Asn98Ser (NM_001256442.2, NM_001256443.2); short protein forms N98S.
Identifiers: ClinVar variation 468613 (VCV000468613.10), dbSNP rs758787026, ClinGen allele CA7994502.

ClinVar aggregate classification (germline): Uncertain significance (1 of 4 stars; one submission).

Conditions:
Episodic kinesigenic dyskinesia (EKD). Also called: Paroxysmal kinesigenic dyskinesia. Identifiers: Orphanet 98809, MedGen C1868682, MONDO:0044202.

Allele frequency attached by ClinVar (database versions not stated): ExAC 0.00001; gnomAD exomes 0.00001; TOPMed 0.00001.

Submission:

Labcorp Genetics (formerly Invitae), Labcorp
Classification: Uncertain significance for Episodic kinesigenic dyskinesia. Last evaluated: 2025-02-24. Review status: criteria provided, single submitter. Criteria: Invitae Variant Classification Sherloc (09022015). Collection method: clinical testing. Allele origin: germline.
Comment: This sequence change replaces asparagine, which is neutral and polar, with serine, which is neutral and polar, at codon 98 of the PRRT2 protein (p.Asn98Ser). This variant is present in population databases (rs758787026, gnomAD 0.0009%). This variant has not been reported in the literature in individuals affected with PRRT2-related conditions. ClinVar contains an entry for this variant (Variation ID: 468613). Invitae Evidence Modeling of protein sequence and biophysical properties (such as structural, functional, and spatial information, amino acid conservation, physicochemical variation, residue mobility, and thermodynamic stability) indicates that this missense variant is not expected to disrupt PRRT2 protein function with a negative predictive value of 95%. In summary, the available evidence is currently insufficient to determine the role of this variant in disease. Therefore, it has been classified as a Variant of Uncertain Significance.